The following is an entry in ClinVar:

NM_025136.4(OPA3):c.*6394G>A

Genes: OPA3-RTN2 (OPA3-RTN2 readthrough; minus strand), OPA3 (outer mitochondrial membrane lipid metabolism regulator OPA3; minus strand). Cytogenetic location: 19q13.32.
Variant type: single nucleotide variant.
Coding change: c.*6394G>A on transcript NM_025136.4 (MANE Select); 6394 bases downstream of the stop codon, G replaced by A.
Molecular consequence: 3 prime UTR variant. On other transcripts: intron variant (1).
Genome position (GRCh38, 1-based): chr19:45,547,120, C>T on the plus strand (G>A on the coding strand, the complement: OPA3 is on the minus strand). VCF-style: chr19-45547120-C-T. GRCh37 (hg19) VCF-style: chr19-46050378-C-T.
Other names: c.143-17664G>A (NM_001017989.3).
Identifiers: ClinVar variation 329565 (VCV000329565.6), dbSNP rs151030695, ClinGen allele CA10652086.

ClinVar aggregate classification (germline): Benign/Likely benign. Review status: criteria provided, multiple submitters, no conflicts (2 of 4 stars). 3 submissions from 2 submitters: Benign (1); Likely benign (2). Last evaluated 2021-05-15.

Conditions:
Optic atrophy 3 (OPA3). Also called: OPTIC ATROPHY 3, AUTOSOMAL DOMINANT; Optic atrophy, cataract, and neurologic disorder; Optic atrophy 3 with cataract. Identifiers: Orphanet 67036, MedGen C1833809, MONDO:0008133, OMIM 165300.
3-Methylglutaconic aciduria type 3 (MGCA3). Also called: OPA3, AUTOSOMAL RECESSIVE; OPTIC ATROPHY 3, AUTOSOMAL RECESSIVE; Costeff Syndrome; OPA3-Related 3-Methylglutaconic Aciduria. Identifiers: Orphanet 67047, MedGen C0574084, MONDO:0009787, OMIM 258501.

Allele frequency attached by ClinVar (database versions not stated): 1000 Genomes Project 30x 0.01202; 1000 Genomes Project 0.01318; TOPMed 0.01970; gnomAD 0.02175 and 0.02197; gnomAD exomes 0.04118.
gnomAD v4.1: 3,304 of 152,298 alleles (2.2%); highest among the groups gnomAD compares: Non-Finnish European, 3.1%; 59 homozygotes.

Submissions (3):

GeneDx
Classification: Likely benign. Last evaluated: 2021-05-15. Review status: criteria provided, single submitter. Criteria: GeneDx Variant Classification Process June 2021. Collection method: clinical testing. Allele origin: germline. Affected: yes.

Illumina Laboratory Services, Illumina
Classification: Likely benign for 3-Methylglutaconic aciduria type 3. Last evaluated: 2018-01-12. Review status: criteria provided, single submitter. Criteria: ICSL Variant Classification Criteria 13 December 2019. Collection method: clinical testing. Allele origin: germline.
Comment: This variant was observed in the ICSL laboratory as part of a predisposition screen in an ostensibly healthy population. It had not been previously curated by ICSL or reported in the Human Gene Mutation Database (HGMD: prior to June 1st, 2018), and was therefore a candidate for classification through an automated scoring system. Utilizing variant allele frequency, disease prevalence and penetrance estimates, and inheritance mode, an automated score was calculated to assess if this variant is too frequent to cause the disease. Based on the score and internal cut-off values, a variant classified as likely benign is not then subjected to further curation. The score for this variant resulted in a classification of likely benign for this disease.

Illumina Laboratory Services, Illumina
Classification: Benign for Optic atrophy 3. Last evaluated: 2018-01-12. Review status: criteria provided, single submitter. Criteria: ICSL Variant Classification Criteria 13 December 2019. Collection method: clinical testing. Allele origin: germline.
Comment: This variant was observed in the ICSL laboratory as part of a predisposition screen in an ostensibly healthy population. It had not been previously curated by ICSL or reported in the Human Gene Mutation Database (HGMD: prior to June 1st, 2018), and was therefore a candidate for classification through an automated scoring system. Utilizing variant allele frequency, disease prevalence and penetrance estimates, and inheritance mode, an automated score was calculated to assess if this variant is too frequent to cause the disease. Based on the score and internal cut-off values, a variant classified as benign is not then subjected to further curation. The score for this variant resulted in a classification of benign for this disease.